The following is an entry in ClinVar:

ClinVar aggregate classification (germline): Uncertain significance (1 of 4 stars; one submission).

Conditions:
Epidermolysis bullosa simplex with nail dystrophy (EBS5D). Identifiers: MedGen C4225309, MONDO:0014661, OMIM 616487.
Epidermolysis bullosa simplex, Ogna type (EBS5A). Also called: Pidermolysis bullosa simplex 5A, Ogna type; EPIDERMOLYSIS BULLOSA SIMPLEX 5A, OGNA TYPE. Identifiers: Orphanet 79401, MedGen C0432317, MONDO:0007555, OMIM 131950.
Autosomal recessive limb-girdle muscular dystrophy type 2Q (LGMDR17). Also called: MUSCULAR DYSTROPHY, LIMB-GIRDLE, AUTOSOMAL RECESSIVE 17. Identifiers: Orphanet 254361, MedGen C3150989, MONDO:0013390, OMIM 613723.
Epidermolysis bullosa simplex 5B, with muscular dystrophy (EBS5B). Also called: EPIDERMOLYSIS BULLOSA SIMPLEX AND LIMB-GIRDLE MUSCULAR DYSTROPHY; Epidermolysis bullosa simplex with muscular dystrophy. Identifiers: Orphanet 257, MedGen C2931072, MONDO:0009181, OMIM 226670.
Epidermolysis bullosa simplex 5C, with pyloric atresia (EBS5C). Also called: PLEC-Related Epidermolysis Bullosa with Pyloric Atresia; Epidermolysis bullosa simplex with pyloric atresia; PLEC1-Related Epidermolysis Bullosa with Pyloric Atresia. Identifiers: Orphanet 158684, MedGen C2677349, MONDO:0012807, OMIM 612138.

Submission:

Labcorp Genetics (formerly Invitae), Labcorp
Classification: Uncertain significance for Autosomal recessive limb-girdle muscular dystrophy type 2Q; Epidermolysis bullosa simplex, Ogna type; Epidermolysis bullosa simplex with nail dystrophy; Epidermolysis bullosa simplex 5C, with pyloric atresia; Epidermolysis bullosa simplex 5B, with muscular dystrophy. Last evaluated: 2024-02-15. Review status: criteria provided, single submitter. Criteria: Invitae Variant Classification Sherloc (09022015). Collection method: clinical testing. Allele origin: germline.
Comment: This sequence change replaces glycine, which is neutral and non-polar, with alanine, which is neutral and non-polar, at codon 2441 of the PLEC protein (p.Gly2441Ala). This variant is not present in population databases (gnomAD no frequency). This variant has not been reported in the literature in individuals affected with PLEC-related conditions. An algorithm developed to predict the effect of missense changes on protein structure and function (PolyPhen-2) suggests that this variant is likely to be tolerated. In summary, the available evidence is currently insufficient to determine the role of this variant in disease. Therefore, it has been classified as a Variant of Uncertain Significance.

NM_201384.3(PLEC):c.7241G>C (p.Gly2414Ala)

Gene: PLEC (plectin; minus strand). Cytogenetic location: 8q24.3.
Variant type: single nucleotide variant.
Coding change: c.7241G>C on transcript NM_201384.3 (MANE Select); coding-DNA position 7241, G replaced by C.
Protein change: p.Gly2414Ala; replaces glycine 2414 with alanine.
Molecular consequence: missense variant. On other transcripts: intron variant (1).
Genome position (GRCh38, 1-based): chr8:143,922,688, C>G on the plus strand (G>C on the coding strand, the complement: PLEC is on the minus strand). VCF-style: chr8-143922688-C-G. GRCh37 (hg19) VCF-style: chr8-144996856-C-G.
Other names: c.7322G>C, p.Gly2441Ala (NM_000445.5); c.7199G>C, p.Gly2400Ala (NM_201378.4); c.7175G>C, p.Gly2392Ala (NM_201379.3); c.7652G>C, p.Gly2551Ala (NM_201380.4); c.7145G>C, p.Gly2382Ala (NM_201381.3); c.7241G>C, p.Gly2414Ala (NM_201382.4); c.7253G>C, p.Gly2418Ala (NM_201383.3); c.4126-293G>C (NM_001410941.1); short protein forms G2382A, G2392A, G2400A, G2414A, G2418A, G2441A, G2551A.
Identifiers: ClinVar variation 3754669 (VCV003754669.2).